The following is an entry in ClinVar:

NM_000440.3(PDE6A):c.2512G>T (p.Ala838Ser)

Gene: PDE6A (phosphodiesterase 6A; minus strand). Cytogenetic location: 5q32.
Variant type: single nucleotide variant.
Coding change: c.2512G>T on transcript NM_000440.3 (MANE Select); coding-DNA position 2512, G replaced by T.
Protein change: p.Ala838Ser; replaces alanine 838 with serine.
Molecular consequence: missense variant.
Genome position (GRCh38, 1-based): chr5:149,860,966, C>A on the plus strand (G>T on the coding strand, the complement: PDE6A is on the minus strand). VCF-style: chr5-149860966-C-A. GRCh37 (hg19) VCF-style: chr5-149240529-C-A.
Other names: c.2269G>T, p.Ala757Ser (NM_001410788.1); short protein forms A757S, A838S.
Identifiers: ClinVar variation 2117242 (VCV002117242.2), dbSNP rs778365507, ClinGen allele CA361708651.

ClinVar aggregate classification (germline): Uncertain significance (1 of 4 stars; one submission).

gnomAD v4.1: 13 of 1,613,942 alleles (0.00081%); highest among the groups gnomAD compares: Admixed American, 0.02%; no homozygotes.

Submission:

Labcorp Genetics (formerly Invitae), Labcorp
Classification: Uncertain significance. Last evaluated: 2022-06-16. Review status: criteria provided, single submitter. Criteria: Invitae Variant Classification Sherloc (09022015). Collection method: clinical testing. Allele origin: germline.
Comment: In summary, the available evidence is currently insufficient to determine the role of this variant in disease. Therefore, it has been classified as a Variant of Uncertain Significance. Algorithms developed to predict the effect of missense changes on protein structure and function output the following: SIFT: "Tolerated"; PolyPhen-2: "Benign"; Align-GVGD: "Class C0". The serine amino acid residue is found in multiple mammalian species, which suggests that this missense change does not adversely affect protein function. This variant has not been reported in the literature in individuals affected with PDE6A-related conditions. This variant is present in population databases (no rsID available, gnomAD 0.009%). This sequence change replaces alanine, which is neutral and non-polar, with serine, which is neutral and polar, at codon 838 of the PDE6A protein (p.Ala838Ser).